The following is an entry in ClinVar:

ClinVar aggregate classification (germline): Uncertain significance (1 of 4 stars; one submission).

gnomAD v4.1: 1 of 1,614,056 alleles (0.000062%); highest among the groups gnomAD compares: Non-Finnish European, 0.000085%; no homozygotes.

Submission:

Ambry Genetics
Classification: Uncertain significance. Last evaluated: 2024-12-15. Review status: criteria provided, single submitter. Criteria: Ambry Variant Classification Scheme 2023. Collection method: clinical testing. Allele origin: germline.
Comment: The p.V1100L variant (also known as c.3298G>C), located in coding exon 1 of the TET2 gene, results from a G to C substitution at nucleotide position 3298. The valine at codon 1100 is replaced by leucine, an amino acid with highly similar properties. This amino acid position is conserved. In addition, this alteration is predicted to be tolerated by in silico analysis. Based on the available evidence, the clinical significance of this variant remains unclear.

NM_001127208.3(TET2):c.3298G>C (p.Val1100Leu)

Genes: TET2 (tet methylcytosine dioxygenase 2; plus strand), TET2-AS1 (TET2 antisense RNA 1; minus strand). Cytogenetic location: 4q24.
Variant type: single nucleotide variant.
Coding change: c.3298G>C on transcript NM_001127208.3 (MANE Select); coding-DNA position 3298, G replaced by C.
Protein change: p.Val1100Leu; replaces valine 1100 with leucine.
Molecular consequence: missense variant.
Genome position (GRCh38, 1-based): chr4:105,237,240, G>C. VCF-style: chr4-105237240-G-C. GRCh37 (hg19) VCF-style: chr4-106158397-G-C.
Other names: c.3298G>C, p.Val1100Leu (NM_017628.4); short protein forms V1100L.
Identifiers: ClinVar variation 3805861 (VCV003805861.1).